The following is an entry in ClinVar:

NM_152328.5(ADSS1):c.1318G>A (p.Ala440Thr)

Gene: ADSS1 (adenylosuccinate synthase 1; plus strand). Cytogenetic location: 14q32.33.
Variant type: single nucleotide variant.
Coding change: c.1318G>A on transcript NM_152328.5 (MANE Select); coding-DNA position 1318, G replaced by A.
Protein change: p.Ala440Thr; replaces alanine 440 with threonine.
Molecular consequence: missense variant.
Genome position (GRCh38, 1-based): chr14:104,746,382, G>A. VCF-style: chr14-104746382-G-A. GRCh37 (hg19) VCF-style: chr14-105212719-G-A.
Other names: c.703G>A, p.Ala235Thr (NM_001320424.1); c.1447G>A, p.Ala483Thr (NM_199165.2); short protein forms A235T, A440T, A483T.
Identifiers: ClinVar variation 1682033 (VCV001682033.7), dbSNP rs1344354892, ClinGen allele CA391245266.

ClinVar aggregate classification (germline): Uncertain significance (1 of 4 stars; one submission).

Allele frequency attached by ClinVar (database versions not stated): gnomAD exomes 0.00001 and 0.00002; gnomAD 0.00003 and 0.00004; TOPMed 0.00004.
gnomAD v4.1: 33 of 1,610,096 alleles (0.002%); highest among the groups gnomAD compares: African/African-American, 0.004%; no homozygotes.

Submission:

Labcorp Genetics (formerly Invitae), Labcorp
Classification: Uncertain significance. Last evaluated: 2024-11-14. Review status: criteria provided, single submitter. Criteria: Invitae Variant Classification Sherloc (09022015). Collection method: clinical testing. Allele origin: germline.
Comment: This sequence change replaces alanine, which is neutral and non-polar, with threonine, which is neutral and polar, at codon 483 of the ADSSL1 protein (p.Ala483Thr). The frequency data for this variant in the population databases is considered unreliable, as metrics indicate poor data quality at this position in the gnomAD database. This variant has not been reported in the literature in individuals affected with ADSSL1-related conditions. ClinVar contains an entry for this variant (Variation ID: 1682033). An algorithm developed to predict the effect of missense changes on protein structure and function (PolyPhen-2) suggests that this variant¬†is likely to be tolerated. In summary, the available evidence is currently insufficient to determine the role of this variant in disease. Therefore, it has been classified as a Variant of Uncertain Significance.